The following is an entry in ClinVar:

ClinVar aggregate classification (germline): Uncertain significance (1 of 4 stars; one submission).

Conditions:
Cardiovascular phenotype. Identifiers: MedGen CN230736.

Allele frequency attached by ClinVar (database versions not stated): gnomAD 0.00001.

Submission:

Ambry Genetics
Classification: Uncertain significance for Cardiovascular phenotype. Last evaluated: 2023-03-23. Review status: criteria provided, single submitter. Criteria: Ambry Variant Classification Scheme 2023. Collection method: clinical testing. Allele origin: germline.
Comment: The c.57A>C variant (also known as p.L19L), located in coding exon 3 of the CALM2 gene, results from an A to C substitution at nucleotide position 57. This nucleotide substitution does not change the leucine at codon 19. This nucleotide position is not well conserved in available vertebrate species. In silico splice site analysis for this alteration is inconclusive. Since supporting evidence is limited at this time, the clinical significance of this alteration remains unclear.

NM_001743.6(CALM2):c.57A>C (p.Leu19=)

Gene: CALM2 (calmodulin 2; minus strand). Cytogenetic location: 2p21.
Variant type: single nucleotide variant.
Coding change: c.57A>C on transcript NM_001743.6 (MANE Select); coding-DNA position 57, A replaced by C.
Protein change: p.Leu19=; no amino-acid change (leucine 19 retained).
Molecular consequence: synonymous variant. On other transcripts: 5 prime UTR variant (2).
Genome position (GRCh38, 1-based): chr2:47,162,640, T>G on the plus strand (A>C on the coding strand, the complement: CALM2 is on the minus strand). VCF-style: chr2-47162640-T-G. GRCh37 (hg19) VCF-style: chr2-47389779-T-G.
Other names: c.201A>C, p.Leu67= (NM_001305624.1); c.-52A>C (NM_001305625.2, NM_001305626.1).
Identifiers: ClinVar variation 2562909 (VCV002562909.2), dbSNP rs754538204, ClinGen allele CA426119232.